The following is an entry in ClinVar:

ClinVar aggregate classification (germline): Benign (1 of 4 stars; one submission).

Allele frequency attached by ClinVar (database versions not stated): gnomAD exomes 0.13446; 1000 Genomes Project 30x 0.14397; 1000 Genomes Project 0.14696; TOPMed 0.11755; gnomAD 0.11963 and 0.12350.

Submission:

GeneDx
Classification: Benign. Last evaluated: 2018-06-20. Review status: criteria provided, single submitter. Criteria: GeneDx Variant Classification (06012015). Collection method: clinical testing. Allele origin: germline. Affected: yes.
Comment: This variant is considered likely benign or benign based on one or more of the following criteria: it is a conservative change, it occurs at a poorly conserved position in the protein, it is predicted to be benign by multiple in silico algorithms, and/or has population frequency not consistent with disease.

NM_003073.5(SMARCB1):c.795+198T>C

Gene: SMARCB1 (SWI/SNF related BAF chromatin remodeling complex subunit B1; plus strand). Cytogenetic location: 22q11.23.
Variant type: single nucleotide variant.
Coding change: c.795+198T>C on transcript NM_003073.5 (MANE Select); 198 bases into the intron after coding-DNA position 795, T replaced by C.
Molecular consequence: intron variant.
Genome position (GRCh38, 1-based): chr22:23,817,134, T>C. VCF-style: chr22-23817134-T-C. GRCh37 (hg19) VCF-style: chr22-24159321-T-C.
Other names: c.849+198T>C (NM_001362877.2); c.822+198T>C (NM_001317946.2); c.768+198T>C (NM_001007468.3).
Identifiers: ClinVar variation 677103 (VCV000677103.1), dbSNP rs2070459, ClinGen allele CA14995626.
Genomic context (GRCh38, chr22:23,817,134, plus strand): 5'-GCTTTGCTCCCTGCAATCCCCCAGGAAGGGCATAGGCTGAGTTCTCATAGTAAAGTGTTA[T>C]ATTCCGGACACATTCAGGGGGTGTCTCTGAGGCACTGCCAGGCTCTGAGCAAAGCCCGGA-3'